The following is an entry in ClinVar:

ClinVar aggregate classification (germline): Uncertain significance. Review status: criteria provided, multiple submitters, no conflicts (2 of 4 stars). 2 submissions from 2 submitters: Uncertain significance (2). Last evaluated 2024-02-01.

Allele frequency attached by ClinVar (database versions not stated): TOPMed below 0.00001; gnomAD exomes 0.00001.
gnomAD v4.1: 19 of 1,604,494 alleles (0.0012%); highest among the groups gnomAD compares: Non-Finnish European, 0.0015%; 1 homozygote.

Submissions (2):

CeGaT Center for Human Genetics Tuebingen
Classification: Uncertain significance. Last evaluated: 2024-02-01. Review status: criteria provided, single submitter. Criteria: CeGaT Center For Human Genetics Tuebingen Variant Classification Criteria Version 2. Collection method: clinical testing. Allele origin: germline. Affected: yes. Observed: 1 variant allele.
Comment: ACADL: PM2

Ambry Genetics
Classification: Uncertain significance. Last evaluated: 2022-08-02. Review status: criteria provided, single submitter. Criteria: Ambry Variant Classification Scheme 2023. Collection method: clinical testing. Allele origin: germline.

NM_001608.4(ACADL):c.922G>A (p.Glu308Lys)

Gene: ACADL (acyl-CoA dehydrogenase long chain; minus strand). Cytogenetic location: 2q34.
Variant type: single nucleotide variant.
Coding change: c.922G>A on transcript NM_001608.4 (MANE Select); coding-DNA position 922, G replaced by A.
Protein change: p.Glu308Lys; replaces glutamic acid 308 with lysine.
Molecular consequence: missense variant.
Genome position (GRCh38, 1-based): chr2:210,203,393, C>T on the plus strand (G>A on the coding strand, the complement: ACADL is on the minus strand). VCF-style: chr2-210203393-C-T. GRCh37 (hg19) VCF-style: chr2-211068117-C-T.
Other names: short protein forms E308K.
Identifiers: ClinVar variation 2304684 (VCV002304684.24), dbSNP rs1465592229, ClinGen allele CA350420534.